The following is an entry in ClinVar:

ClinVar aggregate classification (germline): Likely benign. Review status: criteria provided, multiple submitters, no conflicts (2 of 4 stars). 6 submissions from 6 submitters: Likely benign (6). Last evaluated 2026-02-03.

Conditions:
PIGG-related disorder. Also called: PIGG-related condition.
Intellectual disability, autosomal recessive 53 (NEDHSCA). Also called: GLYCOSYLPHOSPHATIDYLINOSITOL BIOSYNTHESIS DEFECT 13; Mental retardation, autosomal recessive 53; NEURODEVELOPMENTAL DISORDER WITH OR WITHOUT HYPOTONIA, SEIZURES, AND CEREBELLAR ATROPHY. Identifiers: Orphanet 488635, MedGen C4310794, MONDO:0014832, OMIM 616917.

Allele frequency attached by ClinVar (database versions not stated): 1000 Genomes Project 0.00100; TOPMed 0.00139; 1000 Genomes Project 30x 0.00141; gnomAD 0.00159 and 0.00164; ESP Exome Variant Server 0.00177; gnomAD exomes 0.00188; ExAC 0.00218.

Submissions (7):

Labcorp Genetics (formerly Invitae), Labcorp
Classification: Likely benign for Intellectual disability, autosomal recessive 53. Last evaluated: 2026-02-03. Review status: criteria provided, single submitter. Criteria: Invitae Variant Classification Sherloc (09022015). Collection method: clinical testing. Allele origin: germline.

PreventionGenetics, part of Exact Sciences
Classification: Likely benign for PIGG-related condition. Last evaluated: 2024-12-12. Review status: criteria provided, single submitter. Criteria: ACMG Guidelines, 2015. Collection method: clinical testing. Allele origin: germline.
Comment: This variant is classified as likely benign based on ACMG/AMP sequence variant interpretation guidelines (Richards et al. 2015 PMID: 25741868, with internal and published modifications).

Blueprint Genetics
Classification: Likely benign. Last evaluated: 2024-11-13. Review status: criteria provided, single submitter. Criteria: ACMG Guidelines, 2015. Collection method: clinical testing. Allele origin: germline.

CeGaT Center for Human Genetics Tuebingen
Classification: Likely benign. Last evaluated: 2024-01-01. Review status: criteria provided, single submitter. Criteria: CeGaT Center For Human Genetics Tuebingen Variant Classification Criteria Version 2. Collection method: clinical testing. Allele origin: germline. Affected: yes. Observed: 5 variant alleles.
Comment: PIGG: BP4, BS2

GeneDx
Classification: Likely benign. Last evaluated: 2021-04-01. Review status: criteria provided, single submitter. Criteria: GeneDx Variant Classification Process June 2021. Collection method: clinical testing. Allele origin: germline. Affected: yes.

Breakthrough Genomics
Classification: Likely benign. Review status: criteria provided, single submitter. Criteria: ACMG Guidelines, 2015. Collection method: not provided. Allele origin: germline. Inheritance: Autosomal recessive inheritance. Affected: yes.

Dr. Peter K. Rogan Lab, Western University
No classification provided (evidence only). Condition: Malignant tumor of urinary bladder. Review status: no classification provided. Collection method: in vitro. Allele origin: not applicable. Functional consequence: retained intron. Not counted in ClinVar's aggregate classification.

NM_001127178.3(PIGG):c.1387C>G (p.Leu463Val)

Gene: PIGG (phosphatidylinositol glycan anchor biosynthesis class G (EMM blood group); plus strand). Cytogenetic location: 4p16.3.
Variant type: single nucleotide variant.
Coding change: c.1387C>G on transcript NM_001127178.3 (MANE Select); coding-DNA position 1387, C replaced by G.
Protein change: p.Leu463Val; replaces leucine 463 with valine.
Molecular consequence: missense variant. On other transcripts: 3 prime UTR variant (1), 5 prime UTR variant (2), non-coding transcript variant (10).
Genome position (GRCh38, 1-based): chr4:521,714, C>G. VCF-style: chr4-521714-C-G. GRCh37 (hg19) VCF-style: chr4-515503-C-G.
Other names: c.1120C>G, p.Leu374Val (NM_001289051.2, NM_001289053.2, NM_001345986.2); c.988C>G, p.Leu330Val (NM_001289052.2); c.975C>G, p.Ser325Arg (NM_001289055.2); c.*2C>G (NM_001289057.2); c.1096C>G, p.Leu366Val (NM_001345987.2); c.358C>G, p.Leu120Val (NM_001345988.2); c.1387C>G, p.Leu463Val (NM_001345989.2); c.-147C>G (NM_001345990.2, NM_001345991.2); and 2 more; short protein forms L463V, L374V, L455V, S325R, L120V, L366V, L97V, L330V.
Identifiers: ClinVar variation 476316 (VCV000476316.46), dbSNP rs115766555, ClinGen allele CA2793303.